The following is an entry in ClinVar:

ClinVar aggregate classification (germline): Uncertain significance (1 of 4 stars; one submission).

Conditions:
Inborn genetic diseases. Identifiers: MedGen C0950123, MeSH D030342.

gnomAD v4.1: 2 of 1,613,698 alleles (0.00012%); highest among the groups gnomAD compares: South Asian, 0.0022%; no homozygotes.

Submission:

Ambry Genetics
Classification: Uncertain significance for Inborn genetic diseases. Last evaluated: 2026-05-11. Review status: criteria provided, single submitter. Criteria: Ambry Variant Classification Scheme 2023. Collection method: clinical testing. Allele origin: germline.
Comment: The c.3059C>A (p.S1020Y) alteration is located in exon 19 (coding exon 17) of the SETD5 gene. This alteration results from a C to A substitution at nucleotide position 3059, causing the serine (S) at amino acid position 1020 to be replaced by a tyrosine (Y). Based on data from gnomAD, the A allele has an overall frequency of <0.001% (0/248546) total alleles studied. The highest observed frequency was <0.001% (/) of alleles. Based on insufficient or conflicting evidence, the clinical significance of this alteration remains unclear.

NM_001080517.3(SETD5):c.3059C>A (p.Ser1020Tyr)

Gene: SETD5 (SET domain containing 5; plus strand). Cytogenetic location: 3p25.3.
Variant type: single nucleotide variant.
Coding change: c.3059C>A on transcript NM_001080517.3 (MANE Select); coding-DNA position 3059, C replaced by A.
Protein change: p.Ser1020Tyr; replaces serine 1020 with tyrosine.
Molecular consequence: missense variant.
Genome position (GRCh38, 1-based): chr3:9,470,793, C>A. VCF-style: chr3-9470793-C-A. GRCh37 (hg19) VCF-style: chr3-9512477-C-A.
Other names: c.2765C>A, p.Ser922Tyr (NM_001292043.2, NM_001349451.2); c.3155C>A, p.Ser1052Tyr (NM_001437633.1); c.3173C>A, p.Ser1058Tyr (NM_001437635.1); c.3116C>A, p.Ser1039Tyr (NM_001437643.1); c.3098C>A, p.Ser1033Tyr (NM_001437701.1); short protein forms S1020Y, S1033Y, S1039Y, S1052Y, S1058Y, S922Y.
Identifiers: ClinVar variation 4864356 (VCV004864356.1).